The following is an entry in ClinVar:

NM_001009999.3(KDM1A):c.163G>T (p.Val55Leu)

Gene: KDM1A (lysine demethylase 1A; plus strand). Cytogenetic location: 1p36.12.
Variant type: single nucleotide variant.
Coding change: c.163G>T on transcript NM_001009999.3 (MANE Select); coding-DNA position 163, G replaced by T.
Protein change: p.Val55Leu; replaces valine 55 with leucine.
Molecular consequence: missense variant.
Genome position (GRCh38, 1-based): chr1:23,019,759, G>T. VCF-style: chr1-23019759-G-T. GRCh37 (hg19) VCF-style: chr1-23346252-G-T.
Other names: c.163G>T, p.Val55Leu (NM_001363654.2, NM_001410762.1, NM_001410763.1 and 1 more transcripts); short protein forms V55L.
Identifiers: ClinVar variation 3863374 (VCV003863374.1).
Genomic context (GRCh38, chr1:23,019,759, plus strand): 5'-TCTGAGGTGGCCGCGCAGCCCGCGGGCCTGTCGGGCCCAGCCGAGGTCGGGCCGGGGGCG[G>T]TGGGGGAGCGCACACCCCGCAAGAAAGAGCCTCCGCGGGCCTCGCCCCCCGGGGGCCTGG-3'
Protein context (NP_001009999.1, residues 45-65): SGPAEVGPGA[Val55Leu]GERTPRKKEP

ClinVar aggregate classification (germline): Uncertain significance (1 of 4 stars; one submission).

Conditions:
Inborn genetic diseases. Identifiers: MedGen C0950123, MeSH D030342.

gnomAD v4.1: 1 of 1,350,166 alleles (0.000074%); no homozygotes.

Submission:

Ambry Genetics
Classification: Uncertain significance for Inborn genetic diseases. Last evaluated: 2025-03-14. Review status: criteria provided, single submitter. Criteria: Ambry Variant Classification Scheme 2023. Collection method: clinical testing. Allele origin: germline.
Comment: The p.V55L variant (also known as c.163G>T), located in coding exon 1 of the KDM1A gene, results from a G to T substitution at nucleotide position 163. The valine at codon 55 is replaced by leucine, an amino acid with highly similar properties. This amino acid position is conserved. In addition, this alteration is predicted to be tolerated by in silico analysis. Based on the available evidence, the clinical significance of this variant remains unclear.